The following is an entry in ClinVar:

NM_001369268.1(ACAN):c.1416G>A (p.Pro472=)

Gene: ACAN (aggrecan; plus strand). Cytogenetic location: 15q26.1.
Variant type: single nucleotide variant.
Coding change: c.1416G>A on transcript NM_001369268.1 (MANE Select); coding-DNA position 1416, G replaced by A.
Protein change: p.Pro472=; no amino-acid change (proline 472 retained).
Molecular consequence: synonymous variant.
Genome position (GRCh38, 1-based): chr15:88,845,869, G>A. VCF-style: chr15-88845869-G-A. GRCh37 (hg19) VCF-style: chr15-89389100-G-A.
Other names: c.1416G>A, p.Pro472= (NM_001135.4, NM_013227.4).
Identifiers: ClinVar variation 725088 (VCV000725088.15), dbSNP rs530678017, ClinGen allele CA7719537.
Genomic context (GRCh38, chr15:88,845,869, plus strand): 5'-TGCCACGGCATTCACCAGTGAGGACCTCGTCGTGCAGGTGACCGCTGTCCCTGGGCAGCC[G>A]CATTTGCCAGGGGGTAAGTAGCTGCCCGTGGGTGCATCCAGGGGCAGGTGGAGAGAACTT-3'
Protein context (NP_001356197.1, residues 462-482): VVQVTAVPGQ[Pro472=]HLPGGVVFHY

ClinVar aggregate classification (germline): Likely benign. Review status: criteria provided, multiple submitters, no conflicts (2 of 4 stars). 2 submissions from 2 submitters: Likely benign (2). Last evaluated 2026-01-08.

Allele frequency attached by ClinVar (database versions not stated): ExAC below 0.00001; gnomAD 0.00011; 1000 Genomes Project 30x 0.00016; 1000 Genomes Project 0.00020; TOPMed 0.00042; gnomAD exomes 0.00044.
gnomAD v4.1: 75 of 1,453,760 alleles (0.0052%); highest among the groups gnomAD compares: Admixed American, 0.16%; no homozygotes.

Submissions (2):

Labcorp Genetics (formerly Invitae), Labcorp
Classification: Likely benign. Last evaluated: 2026-01-08. Review status: criteria provided, single submitter. Criteria: Invitae Variant Classification Sherloc (09022015). Collection method: clinical testing. Allele origin: germline.

CeGaT Center for Human Genetics Tuebingen
Classification: Likely benign. Last evaluated: 2025-12-01. Review status: criteria provided, single submitter. Criteria: CeGaT Center For Human Genetics Tuebingen Variant Classification Criteria Version 2. Collection method: clinical testing. Allele origin: germline. Affected: yes. Observed: 1 variant allele.
Comment: ACAN: BP4, BP7